The following is an entry in ClinVar:

NM_000178.4(GSS):c.179C>T (p.Ala60Val)

Gene: GSS (glutathione synthetase; minus strand). Cytogenetic location: 20q11.22.
Variant type: single nucleotide variant.
Coding change: c.179C>T on transcript NM_000178.4 (MANE Select); coding-DNA position 179, C replaced by T.
Protein change: p.Ala60Val; replaces alanine 60 with valine.
Molecular consequence: missense variant.
Genome position (GRCh38, 1-based): chr20:34,946,049, G>A on the plus strand (C>T on the coding strand, the complement: GSS is on the minus strand). VCF-style: chr20-34946049-G-A. GRCh37 (hg19) VCF-style: chr20-33533852-G-A.
Other names: c.179C>T, p.Ala60Val (NM_001322494.1, NM_001322495.1); short protein forms A60V.
Identifiers: ClinVar variation 3230485 (VCV003230485.1), dbSNP rs1489344755, ClinGen allele CA408705411.

ClinVar aggregate classification (germline): Uncertain significance (1 of 4 stars; one submission).

Conditions:
Inborn genetic diseases. Identifiers: MedGen C0950123, MeSH D030342.

Allele frequency attached by ClinVar (database versions not stated): TOPMed below 0.00001; gnomAD exomes 0.00001.
gnomAD v4.1: 8 of 1,613,024 alleles (0.0005%); highest among the groups gnomAD compares: Non-Finnish European, 0.00059%; no homozygotes.

Submission:

Ambry Genetics
Classification: Uncertain significance for Inborn genetic diseases. Last evaluated: 2024-02-18. Review status: criteria provided, single submitter. Criteria: Ambry Variant Classification Scheme 2023. Collection method: clinical testing. Allele origin: germline.
Comment: The p.A60V variant (also known as c.179C>T), located in coding exon 2 of the GSS gene, results from a C to T substitution at nucleotide position 179. The alanine at codon 60 is replaced by valine, an amino acid with similar properties. This amino acid position is conserved. In addition, this alteration is predicted to be tolerated by in silico analysis. Based on the available evidence, the clinical significance of this alteration remains unclear.